The following is an entry in ClinVar:

ClinVar aggregate classification (germline): Uncertain significance (1 of 4 stars; one submission).

Conditions:
Charcot-Marie-Tooth disease type 2E (CMT2E). Also called: CHARCOT-MARIE-TOOTH DISEASE, AXONAL, TYPE 2E; CHARCOT-MARIE-TOOTH NEUROPATHY, TYPE 2E. Identifiers: Orphanet 99939, MedGen C1843225, MONDO:0011894, OMIM 607684.

Allele frequency attached by ClinVar (database versions not stated): gnomAD exomes below 0.00001; TOPMed below 0.00001; ExAC 0.00001; gnomAD 0.00002; ESP Exome Variant Server 0.00008.

Submission:

Labcorp Genetics (formerly Invitae), Labcorp
Classification: Uncertain significance for Charcot-Marie-Tooth disease type 2E. Last evaluated: 2023-06-05. Review status: criteria provided, single submitter. Criteria: Invitae Variant Classification Sherloc (09022015). Collection method: clinical testing. Allele origin: germline.
Comment: In summary, the available evidence is currently insufficient to determine the role of this variant in disease. Therefore, it has been classified as a Variant of Uncertain Significance. Advanced modeling of protein sequence and biophysical properties (such as structural, functional, and spatial information, amino acid conservation, physicochemical variation, residue mobility, and thermodynamic stability) has been performed at Invitae for this missense variant, however the output from this modeling did not meet the statistical confidence thresholds required to predict the impact of this variant on NEFL protein function. ClinVar contains an entry for this variant (Variation ID: 639457). This variant has not been reported in the literature in individuals affected with NEFL-related conditions. The frequency data for this variant in the population databases is considered unreliable, as metrics indicate poor data quality at this position in the gnomAD database. This sequence change replaces glycine, which is neutral and non-polar, with cysteine, which is neutral and slightly polar, at codon 512 of the NEFL protein (p.Gly512Cys).

NM_006158.5(NEFL):c.1534G>T (p.Gly512Cys)

Gene: NEFL (neurofilament light chain; minus strand). Cytogenetic location: 8p21.2.
Variant type: single nucleotide variant.
Coding change: c.1534G>T on transcript NM_006158.5 (MANE Select); coding-DNA position 1534, G replaced by T.
Protein change: p.Gly512Cys; replaces glycine 512 with cysteine.
Molecular consequence: missense variant.
Genome position (GRCh38, 1-based): chr8:24,952,908, C>A on the plus strand (G>T on the coding strand, the complement: NEFL is on the minus strand). VCF-style: chr8-24952908-C-A. GRCh37 (hg19) VCF-style: chr8-24810421-C-A.
Other names: short protein forms G512C.
Identifiers: ClinVar variation 639457 (VCV000639457.7), dbSNP rs267601870, ClinGen allele CA4681239.